The following is an entry in ClinVar:

ClinVar aggregate classification (germline): Pathogenic (1 of 4 stars; one submission).

Conditions:
Autosomal recessive distal spinal muscular atrophy 1. Also called: HMN VI; NEURONOPATHY, DISTAL HEREDITARY MOTOR, HARDING TYPE VI; NEUROPATHY, DISTAL HEREDITARY MOTOR, AUTOSOMAL RECESSIVE 1; NEURONOPATHY, SEVERE INFANTILE AXONAL, WITH RESPIRATORY FAILURE; SEVERE INFANTILE AXONAL NEUROPATHY WITH RESPIRATORY FAILURE; SPINAL MUSCULAR ATROPHY, DIAPHRAGMATIC. Identifiers: Orphanet 98920, MedGen C1858517, MONDO:0011436, OMIM 604320.
Charcot-Marie-Tooth disease axonal type 2S. Also called: CHARCOT-MARIE-TOOTH NEUROPATHY, TYPE 2S; CHARCOT-MARIE-TOOTH DISEASE, AXONAL, AUTOSOMAL RECESSIVE, TYPE 2S. Identifiers: Orphanet 443073, MedGen C4015349, MONDO:0014511, OMIM 616155.

Submission:

Labcorp Genetics (formerly Invitae), Labcorp
Classification: Pathogenic for Autosomal recessive distal spinal muscular atrophy 1; Charcot-Marie-Tooth disease axonal type 2S. Last evaluated: 2023-12-19. Review status: criteria provided, single submitter. Criteria: Invitae Variant Classification Sherloc (09022015). Collection method: clinical testing. Allele origin: germline.
Comment: This sequence change affects a donor splice site in intron 5 of the IGHMBP2 gene. It is expected to disrupt RNA splicing. Variants that disrupt the donor or acceptor splice site typically lead to a loss of protein function (PMID: 16199547), and loss-of-function variants in IGHMBP2 are known to be pathogenic (PMID: 14681881, 25439726, 25568292). This variant is not present in population databases (gnomAD no frequency). Disruption of this splice site has been observed in individuals with IGHMBP2-related conditions (PMID: 24022109, 31211173). Algorithms developed to predict the effect of sequence changes on RNA splicing suggest that this variant may disrupt the consensus splice site. For these reasons, this variant has been classified as Pathogenic.

Literature cited by the submitters: PubMed 16199547; PubMed 14681881; PubMed 25439726; PubMed 25568292; PubMed 24022109; PubMed 31211173.

NM_002180.3(IGHMBP2):c.711+1G>A

Gene: IGHMBP2 (immunoglobulin mu DNA binding protein 2; plus strand). Cytogenetic location: 11q13.3.
Variant type: single nucleotide variant.
Coding change: c.711+1G>A on transcript NM_002180.3 (MANE Select); the canonical splice donor site of the intron after coding-DNA position 711, G replaced by A.
Molecular consequence: splice donor variant.
Genome position (GRCh38, 1-based): chr11:68,911,604, G>A. VCF-style: chr11-68911604-G-A. GRCh37 (hg19) VCF-style: chr11-68679072-G-A.
Identifiers: ClinVar variation 2921563 (VCV002921563.3), dbSNP rs774079947, ClinGen allele CA381644060.